The following is an entry in ClinVar:

NM_024649.5(BBS1):c.830+350_1110+217del

Genes: BBS1 (Bardet-Biedl syndrome 1; plus strand), ZDHHC24 (zDHHC palmitoyltransferase 24; minus strand). Cytogenetic location: 11q13.2.
Variant type: Deletion.
Coding change: c.830+350_1110+217del on transcript NM_024649.5 (MANE Select); 350 bases into the intron after coding-DNA position 830 through 217 bases into the intron after coding-DNA position 1110, 2,374 bases deleted.
Molecular consequence: splice acceptor variant, splice donor variant. On other transcripts: intron variant (1).
Genome position (GRCh38, 1-based): chr11:66,521,726-66,524,099, 2,374 bases deleted. GRCh37 (hg19): chr11:66,289,197-66,291,570.
Other names: c.*22-2623_*22-250del (NM_001348571.2).
Identifiers: ClinVar variation 869212 (VCV000869212.5), ClinGen allele CA1139662035.

ClinVar aggregate classification (germline): Pathogenic (0 of 4 stars; one submission).

Conditions:
Bardet-Biedl syndrome 1 (BBS1). Identifiers: MedGen C2936862, MONDO:0008854, OMIM 209900. Disease mechanism: loss of function.

Submission:

Department of Neurology, Kindai University
Classification: Pathogenic for Bardet-Biedl syndrome 1. Last evaluated: 2020-03-24. Review status: no assertion criteria provided. Collection method: case-control. Allele origin: unknown. Affected: yes. Observed: 1 variant allele.
Comment: Deletion of exons 9-11 in white blood cell mRNA while genomic deletion includes only exons 10 and 11. This is probably caused by nonsense-associated altered splicing (NAS).